The following is an entry in ClinVar:

ClinVar aggregate classification (germline): Uncertain significance (1 of 4 stars; one submission).

Conditions:
Hereditary spastic paraplegia 7 (SPG7). Also called: Spastic paraplegia 7; Hereditary spastic paraplegia Paraplegin type; SPG7-related neurologic disorder; SPASTIC PARAPLEGIA 7, AUTOSOMAL RECESSIVE, WITH OR WITHOUT CEREBELLAR ATAXIA; Autosomal recessive spastic paraplegia type 7. Identifiers: Orphanet 99013, MedGen C1846564, MONDO:0011803, OMIM 607259.

Allele frequency attached by ClinVar (database versions not stated): ExAC 0.00002.
gnomAD v4.1: 8 of 1,613,966 alleles (0.0005%); highest among the groups gnomAD compares: Admixed American, 0.013%; no homozygotes.

Submission:

Labcorp Genetics (formerly Invitae), Labcorp
Classification: Uncertain significance for Hereditary spastic paraplegia 7. Last evaluated: 2022-06-10. Review status: criteria provided, single submitter. Criteria: Invitae Variant Classification Sherloc (09022015). Collection method: clinical testing. Allele origin: germline.
Comment: This sequence change replaces isoleucine, which is neutral and non-polar, with methionine, which is neutral and non-polar, at codon 165 of the SPG7 protein (p.Ile165Met). This variant is present in population databases (rs758924472, gnomAD 0.02%). This variant has not been reported in the literature in individuals affected with SPG7-related conditions. Algorithms developed to predict the effect of missense changes on protein structure and function are either unavailable or do not agree on the potential impact of this missense change (SIFT: "Deleterious"; PolyPhen-2: "Probably Damaging"; Align-GVGD: "Class C0"). In summary, the available evidence is currently insufficient to determine the role of this variant in disease. Therefore, it has been classified as a Variant of Uncertain Significance.

NM_003119.4(SPG7):c.495T>G (p.Ile165Met)

Gene: SPG7 (SPG7 matrix AAA peptidase subunit, paraplegin; plus strand). Cytogenetic location: 16q24.3.
Variant type: single nucleotide variant.
Coding change: c.495T>G on transcript NM_003119.4 (MANE Select); coding-DNA position 495, T replaced by G.
Protein change: p.Ile165Met; replaces isoleucine 165 with methionine.
Molecular consequence: missense variant.
Genome position (GRCh38, 1-based): chr16:89,524,124, T>G. VCF-style: chr16-89524124-T-G. GRCh37 (hg19) VCF-style: chr16-89590532-T-G.
Other names: c.495T>G, p.Ile165Met (NM_001363850.1, NM_199367.3); short protein forms I165M.
Identifiers: ClinVar variation 2163599 (VCV002163599.4), dbSNP rs758924472, ClinGen allele CA8243657.